The following is an entry in ClinVar:

ClinVar aggregate classification (germline): Uncertain significance (1 of 4 stars; one submission).

Submission:

GeneDx
Classification: Uncertain significance. Last evaluated: 2020-02-07. Review status: criteria provided, single submitter. Criteria: GeneDx Variant Classification Process June 2021. Collection method: clinical testing. Allele origin: germline. Affected: yes.
Comment: Not observed in large population cohorts (Lek et al., 2016); In silico analysis supports that this missense variant has a deleterious effect on protein structure/function; Has not been previously published as pathogenic or benign to our knowledge

NM_001194.4(HCN2):c.1792G>A (p.Glu598Lys)

Gene: HCN2 (hyperpolarization activated cyclic nucleotide gated potassium and sodium channel 2; plus strand). Cytogenetic location: 19p13.3.
Variant type: single nucleotide variant.
Coding change: c.1792G>A on transcript NM_001194.4 (MANE Select); coding-DNA position 1792, G replaced by A.
Protein change: p.Glu598Lys; replaces glutamic acid 598 with lysine.
Molecular consequence: missense variant.
Genome position (GRCh38, 1-based): chr19:613,455, G>A. VCF-style: chr19-613455-G-A. GRCh37 (hg19) VCF-style: chr19-613455-G-A.
Other names: short protein forms E598K.
Identifiers: ClinVar variation 1315206 (VCV001315206.2), dbSNP rs1983733901, ClinGen allele CA402881868.
Genomic context (GRCh38, chr19:613,455, plus strand): 5'-GGGAAGAAGATGTACTTCATCCAGCACGGCGTGGTCAGCGTGCTCACTAAGGGCAACAAG[G>A]AGATGAAGCTGTCCGATGGCTCCTACTTCGGGGGTGAGCTTGAGGGGGGCGCGCCTGGAG-3'
Protein context (NP_001185.3, residues 588-608): VVSVLTKGNK[Glu598Lys]MKLSDGSYFG